The following is an entry in ClinVar:

NM_001291303.3(FAT4):c.6484G>A (p.Glu2162Lys)

Gene: FAT4 (FAT atypical cadherin 4; plus strand). Cytogenetic location: 4q28.1.
Variant type: single nucleotide variant.
Coding change: c.6484G>A on transcript NM_001291303.3 (MANE Select); coding-DNA position 6484, G replaced by A.
Protein change: p.Glu2162Lys; replaces glutamic acid 2162 with lysine.
Molecular consequence: missense variant.
Genome position (GRCh38, 1-based): chr4:125,415,447, G>A. VCF-style: chr4-125415447-G-A. GRCh37 (hg19) VCF-style: chr4-126336602-G-A.
Other names: c.6484G>A, p.Glu2162Lys (NM_001291285.3, NM_024582.6); short protein forms E2162K.
Identifiers: ClinVar variation 1394997 (VCV001394997.4), dbSNP rs771100438, ClinGen allele CA3072926.
Genomic context (GRCh38, chr4:125,415,447, plus strand): 5'-GTTATGGTACTTGACATCAATGATAACAACCCCATCTTTGCACAAGCTTTGTATAAAGTG[G>A]AGATTAATGAAAACACACTTACTGGAACAGATATAATACAAGTGTTCGCAGCAGATGGAG-3'
Protein context (NP_001278232.1, residues 2152-2172): PIFAQALYKV[Glu2162Lys]INENTLTGTD

ClinVar aggregate classification (germline): Uncertain significance (1 of 4 stars; one submission).

Allele frequency attached by ClinVar (database versions not stated): gnomAD exomes 0.00001; ExAC 0.00002.
gnomAD v4.1: 10 of 1,614,078 alleles (0.00062%); highest among the groups gnomAD compares: Non-Finnish European, 0.00076%; no homozygotes.

Submission:

Labcorp Genetics (formerly Invitae), Labcorp
Classification: Uncertain significance. Last evaluated: 2022-07-11. Review status: criteria provided, single submitter. Criteria: Invitae Variant Classification Sherloc (09022015). Collection method: clinical testing. Allele origin: germline.
Comment: This sequence change replaces glutamic acid, which is acidic and polar, with lysine, which is basic and polar, at codon 2162 of the FAT4 protein (p.Glu2162Lys). This variant is present in population databases (rs771100438, gnomAD 0.0009%). This variant has not been reported in the literature in individuals affected with FAT4-related conditions. ClinVar contains an entry for this variant (Variation ID: 1394997). Advanced modeling of protein sequence and biophysical properties (such as structural, functional, and spatial information, amino acid conservation, physicochemical variation, residue mobility, and thermodynamic stability) performed at Invitae indicates that this missense variant is not expected to disrupt FAT4 protein function. In summary, the available evidence is currently insufficient to determine the role of this variant in disease. Therefore, it has been classified as a Variant of Uncertain Significance.